The following is an entry in ClinVar:

NM_000298.6(PKLR):c.1378G>A (p.Val460Met)

Gene: PKLR (pyruvate kinase L/R; minus strand). Cytogenetic location: 1q22.
Variant type: single nucleotide variant.
Coding change: c.1378G>A on transcript NM_000298.6 (MANE Select); coding-DNA position 1378, G replaced by A.
Protein change: p.Val460Met; replaces valine 460 with methionine.
Molecular consequence: missense variant.
Genome position (GRCh38, 1-based): chr1:155,293,235, C>T on the plus strand (G>A on the coding strand, the complement: PKLR is on the minus strand). VCF-style: chr1-155293235-C-T. GRCh37 (hg19) VCF-style: chr1-155263026-C-T.
Other names: c.1285G>A, p.Val429Met (NM_181871.4); short protein forms V429M, V460M.
Identifiers: ClinVar variation 811906 (VCV000811906.17), dbSNP rs752034960, ClinGen allele CA1144024.

ClinVar aggregate classification (germline): Conflicting classifications of pathogenicity. Review status: criteria provided, conflicting classifications (1 of 4 stars). 3 submissions from 3 submitters: Pathogenic (1); Likely pathogenic (1); Uncertain significance (1). Last evaluated 2025-09-03.

Allele frequency attached by ClinVar (database versions not stated): TOPMed 0.00001; ExAC 0.00002.

Submissions (3):

Labcorp Genetics (formerly Invitae), Labcorp
Classification: Pathogenic. Last evaluated: 2025-09-03. Review status: criteria provided, single submitter. Criteria: Invitae Variant Classification Sherloc (09022015). Collection method: clinical testing. Allele origin: germline.
Comment: This sequence change replaces valine, which is neutral and non-polar, with methionine, which is neutral and non-polar, at codon 460 of the PKLR protein (p.Val460Met). This variant is present in population databases (rs752034960, gnomAD 0.02%). This missense change has been observed in individual(s) with pyruvate kinase deficiency (PMID: 7706479, 11668614, 24481986). ClinVar contains an entry for this variant (Variation ID: 811906). Invitae Evidence Modeling of protein sequence and biophysical properties (such as structural, functional, and spatial information, amino acid conservation, physicochemical variation, residue mobility, and thermodynamic stability) indicates that this missense variant is expected to disrupt PKLR protein function with a positive predictive value of 80%. For these reasons, this variant has been classified as Pathogenic.

ARUP Laboratories, Molecular Genetics and Genomics, ARUP Laboratories
Classification: Uncertain significance. Last evaluated: 2024-10-09. Review status: criteria provided, single submitter. Criteria: ARUP Molecular Germline Variant Investigation Process 2024. Collection method: clinical testing. Allele origin: germline.
Comment: The PKLR c.1378G>A; p.Val460Met variant (rs752034960, ClinVar Variation ID 811906) has been reported in individuals with pyruvate kinase deficiency and hemolytic anemia (Baronciani 1995, Haija 2014, Pissard 2006). This variant is found almost exclusively in the Admixed American population with an allele frequency of 0.02% (7/34592 alleles) in the Genome Aggregation Database (v2.1.1.). Computational analyses predict that this variant is deleterious (REVEL: 0.913). However, given the lack of functional information, the clinical significance of this variant is uncertain at this time. References: Baronciani L et al. Molecular study of pyruvate kinase deficient patients with hereditary nonspherocytic hemolytic anemia. J Clin Invest. 1995 Apr. PMID: 7706479 Haija MA et al. Dyserythropoiesis in a child with pyruvate kinase deficiency and coexistent unilateral multicystic dysplastic kidney. Pediatric blood & cancer. 2014 Aug. PMID: 24481986 Indo Y et al. Congenital insensitivity to pain with anhidrosis (CIPA): novel mutations of the TRKA (NTRK1) gene, a putative uniparental disomy, and a linkage of the mutant TRKA and PKLR genes in a family with CIPA and pyruvate kinase deficiency. Hum Mutat. 2001 Oct. PMID: 11668614 Pissard S et al. Pyruvate kinase deficiency in France: a 3-year study reveals 27 new mutations. Br J Haematol. 2006 Jun. PMID: 16704447

Revvity Omics, Revvity
Classification: Likely pathogenic. Last evaluated: 2023-07-21. Review status: criteria provided, single submitter. Criteria: ACMG Guidelines, 2015. Collection method: clinical testing. Allele origin: germline.

Literature cited by the submitters: PubMed 7706479 (cited by Labcorp Genetics (formerly Invitae), Labcorp); PubMed 11668614 (cited by Labcorp Genetics (formerly Invitae), Labcorp); PubMed 24481986 (cited by Labcorp Genetics (formerly Invitae), Labcorp).